The following is an entry in ClinVar:

ClinVar aggregate classification (germline): Uncertain significance. Review status: criteria provided, multiple submitters, no conflicts (2 of 4 stars). 3 submissions from 3 submitters: Uncertain significance (2). 1 of the submissions does not count toward it. Last evaluated 2024-08-28.

Conditions:
Achromatopsia. Also called: Rod monochromatism. Identifiers: Orphanet 49382, MedGen C0152200, MONDO:0018852, HP:0011516.

Submissions (3):

Blueprint Genetics
Classification: Uncertain significance. Last evaluated: 2024-08-28. Review status: criteria provided, single submitter. Criteria: ACMG Guidelines, 2015. Collection method: clinical testing. Allele origin: germline.

Labcorp Genetics (formerly Invitae), Labcorp
Classification: Uncertain significance. Last evaluated: 2022-05-13. Review status: criteria provided, single submitter. Criteria: Invitae Variant Classification Sherloc (09022015). Collection method: clinical testing. Allele origin: germline.
Comment: This variant, c.2179_2199dup, results in the insertion of 7 amino acid(s) of the CNGB3 protein (p.Gln727_Lys733dup), but otherwise preserves the integrity of the reading frame. This variant is present in population databases (rs3832571, gnomAD 0.009%). This variant has not been reported in the literature in individuals affected with CNGB3-related conditions. ClinVar contains an entry for this variant (Variation ID: 968510). Experimental studies and prediction algorithms are not available or were not evaluated, and the functional significance of this variant is currently unknown. In summary, the available evidence is currently insufficient to determine the role of this variant in disease. Therefore, it has been classified as a Variant of Uncertain Significance.

Natera, Inc.
Classification: Uncertain significance for Achromatopsia. Last evaluated: 2020-03-10. Review status: no assertion criteria provided. Collection method: clinical testing. Allele origin: germline. Not counted in ClinVar's aggregate classification.

NM_019098.5(CNGB3):c.2158CAAAAAGAAAATGAAGATAAA[3] (p.720QKENEDK[3])

Gene: CNGB3 (cyclic nucleotide gated channel subunit beta 3; minus strand). Cytogenetic location: 8q21.3.
Variant type: Microsatellite.
Coding change: c.2158CAAAAAGAAAATGAAGATAAA[3] on transcript NM_019098.5 (MANE Select); three copies in a row of the 21-base unit CAAAAAGAAAATGAAGATAAA starting at c.2158; the reference has two copies in a row; one copy, 21 bases duplicated; also written c.2179_2199dup.
Protein change: p.720QKENEDK[3].
Molecular consequence: inframe insertion.
Genome position (GRCh38, 1-based): chr8:86,576,035-86,576,055, TTTATCTTCATTTTCTTTTTG duplicated on the plus strand (CAAAAAGAAAATGAAGATAAA on the coding strand, the reverse complement: CNGB3 is on the minus strand); duplicating any 21 consecutive bases within chr8:86,576,035-86,576,095 gives the same sequence; the position shown is the placement nearest the transcript's 3' end. VCF-style (leftmost placement, unchanged base first): chr8-86576034-C-CTTTATCTTCATTTTCTTTTTG. GRCh37 (hg19) VCF-style: chr8-87588262-C-CTTTATCTTCATTTTCTTTTTG.
Other names: c.2179_2199dup (NM_019098.5, NM_019098.4).
Identifiers: ClinVar variation 968510 (VCV000968510.5), dbSNP rs746549330, ClinGen allele CA583366118.